The following is an entry in ClinVar:

NM_201384.3(PLEC):c.3774C>T (p.Ile1258=)

Gene: PLEC (plectin; minus strand). Cytogenetic location: 8q24.3.
Variant type: single nucleotide variant.
Coding change: c.3774C>T on transcript NM_201384.3 (MANE Select); coding-DNA position 3774, C replaced by T.
Protein change: p.Ile1258=; no amino-acid change (isoleucine 1258 retained).
Molecular consequence: synonymous variant.
Genome position (GRCh38, 1-based): chr8:143,927,318, G>A on the plus strand (C>T on the coding strand, the complement: PLEC is on the minus strand). VCF-style: chr8-143927318-G-A. GRCh37 (hg19) VCF-style: chr8-145001486-G-A.
Other names: c.3855C>T (NM_000445.4); c.3855C>T, p.Ile1285= (NM_000445.5); c.3732C>T, p.Ile1244= (NM_201378.4); c.3708C>T, p.Ile1236= (NM_201379.3); c.4185C>T, p.Ile1395= (NM_201380.4); c.3678C>T, p.Ile1226= (NM_201381.3); c.3774C>T, p.Ile1258= (NM_201382.4); c.3786C>T, p.Ile1262= (NM_201383.3).
Identifiers: ClinVar variation 810328 (VCV000810328.46), dbSNP rs200582060, ClinGen allele CA4926937.
Genomic context (GRCh38, chr8:143,927,318, plus strand): 5'-GGCGTTGATGTACTGTTTCGCAAACCTCTGGCACTCCTCGACCTTCTCGCCGTGGCGCTC[G>A]ATCTCCTCCAGCAGGGCCTGGGTGATGGTGTGGTCAGAGCCGTGGCCGCAGGGCACGCCC-3'
Protein context (NP_958786.1, residues 1248-1268): LRQEQALLEE[Ile1258=]ERHGEKVEEC

ClinVar aggregate classification (germline): Conflicting classifications of pathogenicity. Review status: criteria provided, conflicting classifications (1 of 4 stars). 3 submissions from 3 submitters: Uncertain significance (1); Likely benign (2). Last evaluated 2026-03-31.

Conditions:
PLEC-related disorder. Also called: PLEC-related condition; PLEC-related disorders.
Epidermolysis bullosa simplex, Ogna type (EBS5A). Also called: Pidermolysis bullosa simplex 5A, Ogna type; EPIDERMOLYSIS BULLOSA SIMPLEX 5A, OGNA TYPE. Identifiers: Orphanet 79401, MedGen C0432317, MONDO:0007555, OMIM 131950.
Epidermolysis bullosa simplex 5C, with pyloric atresia (EBS5C). Also called: PLEC1-Related Epidermolysis Bullosa with Pyloric Atresia; PLEC-Related Epidermolysis Bullosa with Pyloric Atresia; Epidermolysis bullosa simplex with pyloric atresia. Identifiers: Orphanet 158684, MedGen C2677349, MONDO:0012807, OMIM 612138.
Epidermolysis bullosa simplex 5B, with muscular dystrophy (EBS5B). Also called: Epidermolysis bullosa simplex with muscular dystrophy; EPIDERMOLYSIS BULLOSA SIMPLEX AND LIMB-GIRDLE MUSCULAR DYSTROPHY. Identifiers: Orphanet 257, MedGen C2931072, MONDO:0009181, OMIM 226670.
Epidermolysis bullosa simplex with nail dystrophy (EBS5D). Identifiers: MedGen C4225309, MONDO:0014661, OMIM 616487.
Autosomal recessive limb-girdle muscular dystrophy type 2Q (LGMDR17). Also called: MUSCULAR DYSTROPHY, LIMB-GIRDLE, AUTOSOMAL RECESSIVE 17. Identifiers: Orphanet 254361, MedGen C3150989, MONDO:0013390, OMIM 613723.

Allele frequency attached by ClinVar (database versions not stated): ESP Exome Variant Server 0.00008; TOPMed 0.00010; 1000 Genomes Project 30x 0.00031; 1000 Genomes Project 0.00040; ExAC 0.00003.
gnomAD v4.1: 55 of 1,613,132 alleles (0.0034%); highest among the groups gnomAD compares: African/African-American, 0.04%; no homozygotes.

Submissions (3):

PreventionGenetics, part of Exact Sciences
Classification: Likely benign for PLEC-related condition. Last evaluated: 2026-03-31. Review status: criteria provided, single submitter. Criteria: ACMG Guidelines, 2015. Collection method: clinical testing. Allele origin: germline.
Comment: This variant is classified as likely benign based on ACMG/AMP sequence variant interpretation guidelines (Richards et al. 2015 PMID: 25741868, with internal and published modifications).

Labcorp Genetics (formerly Invitae), Labcorp
Classification: Likely benign for Autosomal recessive limb-girdle muscular dystrophy type 2Q; Epidermolysis bullosa simplex, Ogna type; Epidermolysis bullosa simplex with nail dystrophy; Epidermolysis bullosa simplex 5C, with pyloric atresia; Epidermolysis bullosa simplex 5B, with muscular dystrophy. Last evaluated: 2025-12-24. Review status: criteria provided, single submitter. Criteria: Invitae Variant Classification Sherloc (09022015). Collection method: clinical testing. Allele origin: germline.

CeGaT Center for Human Genetics Tuebingen
Classification: Uncertain significance. Last evaluated: 2017-11-01. Review status: criteria provided, single submitter. Criteria: CeGaT Center For Human Genetics Tuebingen Variant Classification Criteria Version 2. Collection method: clinical testing. Allele origin: germline. Affected: yes. Observed: 1 variant allele.